The following is an entry in ClinVar:

ClinVar aggregate classification (germline): Pathogenic (1 of 4 stars; one submission).

Conditions:
Cockayne spectrum with or without cerebrooculofacioskeletal syndrome. Identifiers: MedGen CN315928, MONDO:0100506.

Submission:

Myriad Genetics, Inc.
Classification: Pathogenic for Cockayne spectrum with or without cerebrooculofacioskeletal syndrome. Last evaluated: 2023-09-30. Review status: criteria provided, single submitter. Criteria: Myriad Autosomal Dominant, Autosomal Recessive and X-Linked Classification Criteria (2023). Collection method: clinical testing. Allele origin: unknown.
Comment: NM_000124.2(ERCC6):c.3651delT(F1217Lfs*10) is expected to be pathogenic in the context of ERCC6-related disorders. This variant is predicted to lead to an abnormal or absent protein product due to the creation of a premature termination codon in ERCC6, a gene where loss-of-function variants are known to be pathogenic. Please note: this variant was assessed in the context of healthy population screening.

NM_000124.4(ERCC6):c.3651del (p.Phe1217fs)

Gene: ERCC6 (ERCC excision repair 6, chromatin remodeling factor; minus strand). Cytogenetic location: 10q11.23.
Variant type: Deletion.
Coding change: c.3651del on transcript NM_000124.4 (MANE Select); coding-DNA position 3651, one base deleted (T; older notation c.3651delT).
Protein change: p.Phe1217fs; shifts the reading frame from phenylalanine 1217.
Molecular consequence: frameshift variant.
Genome position (GRCh38, 1-based): chr10:49,470,309, A deleted on the plus strand (T on the coding strand, the reverse complement: ERCC6 is on the minus strand); the first of 3 consecutive A bases (chr10:49,470,309-49,470,311); deleting any one gives the same sequence. VCF-style (leftmost placement, unchanged base first): chr10-49470308-CA-C. GRCh37 (hg19) VCF-style: chr10-50678354-CA-C.
Other names: c.3651del, p.Phe1217fs (NM_001346440.2); short protein forms F1217fs.
Identifiers: ClinVar variation 5012339 (VCV005012339.1).